The following is an entry in ClinVar:

ClinVar aggregate classification (germline): Uncertain significance (1 of 4 stars; one submission).

Conditions:
Agammaglobulinemia 4, autosomal recessive (AGM4). Also called: B cell linker protein deficiency; AGAMMAGLOBULINEMIA, AUTOSOMAL RECESSIVE, DUE TO BLNK DEFECT. Identifiers: MedGen C3150752, MONDO:0013289, OMIM 613502.

Allele frequency attached by ClinVar (database versions not stated): gnomAD exomes below 0.00001; TOPMed 0.00003; gnomAD 0.00004.

Submission:

Labcorp Genetics (formerly Invitae), Labcorp
Classification: Uncertain significance for Agammaglobulinemia 4, autosomal recessive. Last evaluated: 2022-05-24. Review status: criteria provided, single submitter. Criteria: Invitae Variant Classification Sherloc (09022015). Collection method: clinical testing. Allele origin: germline.
Comment: This sequence change replaces proline, which is neutral and non-polar, with leucine, which is neutral and non-polar, at codon 311 of the BLNK protein (p.Pro311Leu). This variant is present in population databases (rs773027640, gnomAD 0.02%). This variant has not been reported in the literature in individuals affected with BLNK-related conditions. Algorithms developed to predict the effect of missense changes on protein structure and function are either unavailable or do not agree on the potential impact of this missense change (SIFT: "Tolerated"; PolyPhen-2: "Probably Damaging"; Align-GVGD: "Class C0"). In summary, the available evidence is currently insufficient to determine the role of this variant in disease. Therefore, it has been classified as a Variant of Uncertain Significance.

NM_013314.4(BLNK):c.932C>T (p.Pro311Leu)

Genes: BLNK (B cell linker; minus strand), ZNF518A (zinc finger protein 518A; plus strand). Cytogenetic location: 10q24.1.
Variant type: single nucleotide variant.
Coding change: c.932C>T on transcript NM_013314.4 (MANE Select); coding-DNA position 932, C replaced by T.
Protein change: p.Pro311Leu; replaces proline 311 with leucine.
Molecular consequence: missense variant. On other transcripts: non-coding transcript variant (5).
Genome position (GRCh38, 1-based): chr10:96,204,059, G>A on the plus strand (C>T on the coding strand, the complement: BLNK is on the minus strand). VCF-style: chr10-96204059-G-A. GRCh37 (hg19) VCF-style: chr10-97963815-G-A.
Other names: c.863C>T, p.Pro288Leu (NM_001114094.2, NM_001258441.2); c.932C>T, p.Pro311Leu (NM_001258440.2); c.617C>T, p.Pro206Leu (NM_001258442.2); short protein forms P288L, P311L, P206L.
Identifiers: ClinVar variation 1379283 (VCV001379283.6), dbSNP rs773027640, ClinGen allele CA212516911.
Genomic context (GRCh38, chr10:96,204,059, plus strand): 5'-ACTCTAGGATCCAGCCTCGACCACTCCCTGATACACTACATGGCTTCGTTGTACTTACTT[G>A]GCAGAGGTATGGGTTTTTGGTGGATTTGTCTGCAAGAAAGAATTTCAGATAATTAAAGGA-3'
Protein context (NP_037446.1, residues 301-321): KQIHQKPIPL[Pro311Leu]RFTEGGNPTV